The following is an entry in ClinVar:

ClinVar aggregate classification (germline): Likely pathogenic (1 of 4 stars; one submission).

Submission:

GeneDx
Classification: Likely pathogenic. Last evaluated: 2018-06-08. Review status: criteria provided, single submitter. Criteria: GeneDx Variant Classification (06012015). Collection method: clinical testing. Allele origin: germline. Affected: yes.
Comment: The c.1398_1399insTTAA variant in the TBCK gene has not been reported previously as a pathogenic variant nor as a benign variant, to our knowledge. The c.1398_1399insTTAA variant causes a frameshift starting with codon Isoleucine 467, changes this amino acid to a Leucine residue, and creates a premature Stop codon at position 18 of the new reading frame, denoted p.Ile467LeufsX18. This variant is predicted to cause loss of normal protein function either through protein truncation or nonsense-mediated mRNA decay. The c.1398_1399insTTAA variant is not observed in large population cohorts (Lek et al., 2016). We interpret c.1398_1399insTTAA as a likely pathogenic variant.

NM_001163435.3(TBCK):c.1398_1399insTTAA (p.Ile467fs)

Gene: TBCK (TBC1 domain containing kinase; minus strand). Cytogenetic location: 4q24.
Variant type: Insertion.
Coding change: c.1398_1399insTTAA on transcript NM_001163435.3 (MANE Select); coding-DNA positions 1398 to 1399, TTAA inserted.
Protein change: p.Ile467fs; shifts the reading frame from isoleucine 467.
Molecular consequence: frameshift variant.
Genome position: GRCh38 VCF-style: chr4-106235319-T-TTTAA. GRCh37 (hg19) VCF-style: chr4-107156476-T-TTTAA.
Other names: c.1398_1399insTTAA, p.Ile467fs (NM_001163436.4); c.1281_1282insTTAA, p.Ile428fs (NM_001163437.3); c.882_883insTTAA, p.Ile295fs (NM_001290768.2); c.1209_1210insTTAA, p.Ile404fs (NM_033115.5); short protein forms I467fs, I295fs, I404fs, I428fs.
Identifiers: ClinVar variation 817670 (VCV000817670.1), dbSNP rs1579342363, ClinGen allele CA915943143.